The following is an entry in ClinVar:

NM_017849.4(TMEM127):c.155C>G (p.Ala52Gly)

Gene: TMEM127 (transmembrane protein 127; minus strand). Cytogenetic location: 2q11.2.
Variant type: single nucleotide variant.
Coding change: c.155C>G on transcript NM_017849.4 (MANE Select); coding-DNA position 155, C replaced by G.
Protein change: p.Ala52Gly; replaces alanine 52 with glycine.
Molecular consequence: missense variant.
Genome position (GRCh38, 1-based): chr2:96,265,227, G>C on the plus strand (C>G on the coding strand, the complement: TMEM127 is on the minus strand). VCF-style: chr2-96265227-G-C. GRCh37 (hg19) VCF-style: chr2-96930965-G-C.
Other names: c.155C>G, p.Ala52Gly (NM_001193304.3); short protein forms A52G.
Identifiers: ClinVar variation 1963176 (VCV001963176.4), dbSNP rs2467285449, ClinGen allele CA347656007.
Genomic context (GRCh38, chr2:96,265,227, plus strand): 5'-AACACGTCGGAGACCCCCAGCTCCTGGCGCGAACAGGTGCCTCCGTGGATGTGCAACCAG[G>C]CGGGCTCGGCGAGGGCAGTGCACAGCGCCGTGATAGACAGGGCGCCAGGCAGGGCCGAGG-3'
Protein context (NP_060319.1, residues 42-62): TALCTALAEP[Ala52Gly]WLHIHGGTCS

ClinVar aggregate classification (germline): Uncertain significance. Review status: criteria provided, multiple submitters, no conflicts (2 of 4 stars). 2 submissions from 2 submitters: Uncertain significance (2). Last evaluated 2025-06-02.

Conditions:
Hereditary pheochromocytoma and paraganglioma. Also called: Hereditary paragangliomas and pheochromocytomas; Hereditary Paraganglioma-Pheochromocytoma Syndromes; Hereditary pheochromocytoma-paraganglioma. Identifiers: Orphanet 29072, MedGen C4274332, MONDO:0017366.
Hereditary cancer-predisposing syndrome. Also called: Tumor predisposition; Hereditary Cancer Syndrome; Hereditary neoplastic syndrome; Neoplastic Syndromes, Hereditary. Identifiers: Orphanet 140162, MedGen C0027672, MeSH D009386, MONDO:0015356.

Submissions (2):

Ambry Genetics
Classification: Uncertain significance for Hereditary cancer-predisposing syndrome. Last evaluated: 2025-06-02. Review status: criteria provided, single submitter. Criteria: Ambry Variant Classification Scheme 2023. Collection method: clinical testing. Allele origin: germline.
Comment: The p.A52G variant (also known as c.155C>G), located in coding exon 1 of the TMEM127 gene, results from a C to G substitution at nucleotide position 155. The alanine at codon 52 is replaced by glycine, an amino acid with similar properties. This amino acid position is conserved. In addition, the in silico prediction for this alteration is inconclusive. Based on the available evidence, the clinical significance of this variant remains unclear.

Labcorp Genetics (formerly Invitae), Labcorp
Classification: Uncertain significance for Hereditary pheochromocytoma and paraganglioma. Last evaluated: 2022-08-24. Review status: criteria provided, single submitter. Criteria: Invitae Variant Classification Sherloc (09022015). Collection method: clinical testing. Allele origin: germline.
Comment: This sequence change replaces alanine, which is neutral and non-polar, with glycine, which is neutral and non-polar, at codon 52 of the TMEM127 protein (p.Ala52Gly). This variant is not present in population databases (gnomAD no frequency). This variant has not been reported in the literature in individuals affected with TMEM127-related conditions. Algorithms developed to predict the effect of missense changes on protein structure and function (SIFT, PolyPhen-2, Align-GVGD) all suggest that this variant is likely to be tolerated. In summary, the available evidence is currently insufficient to determine the role of this variant in disease. Therefore, it has been classified as a Variant of Uncertain Significance.